The following is an entry in ClinVar:

NC_000011.9:g.(?_108114662)_(108115763_?)del

Gene: ATM (ATM serine/threonine kinase; plus strand). Cytogenetic location: 11q22.3.
Variant type: Deletion.
Identifiers: ClinVar variation 2422221 (VCV002422221.4).

ClinVar aggregate classification (germline): Pathogenic (1 of 4 stars; one submission).

Conditions:
Ataxia-telangiectasia syndrome (AT). Also called: Cerebello-oculocutaneous telangiectasia; Immunodeficiency with ataxia telangiectasia; Ataxia-telangiectasia; AT, COMPLEMENTATION GROUP C; Ataxia telangiectasia (A-T); LOUIS-BAR SYNDROME. Identifiers: Orphanet 100, MedGen C0004135, MONDO:0008840, OMIM 208900.

Submission:

Labcorp Genetics (formerly Invitae), Labcorp
Classification: Pathogenic for Ataxia-telangiectasia syndrome. Last evaluated: 2021-10-28. Review status: criteria provided, single submitter. Criteria: Invitae Variant Classification Sherloc (09022015). Collection method: clinical testing. Allele origin: germline.
Comment: This variant is a gross deletion of the genomic region encompassing exon(s) 6-7 of the ATM gene. This variant would be expected to be in-frame, preserving the integrity of the reading frame. This variant has not been reported in the literature in individuals affected with ATM-related conditions. This variant disrupts a region of the ATM protein in which other variant(s) (p.Pro292Leu) have been determined to be pathogenic (Invitae). This suggests that this is a clinically significant region of the protein, and that variants that disrupt it are likely to be disease-causing. For these reasons, this variant has been classified as Pathogenic.